The following is an entry in ClinVar:

NM_001374385.1(ATP8B1):c.1799G>A (p.Arg600Gln)

Gene: ATP8B1 (ATPase phospholipid transporting 8B1; minus strand). Cytogenetic location: 18q21.31.
Variant type: single nucleotide variant.
Coding change: c.1799G>A on transcript NM_001374385.1 (MANE Select); coding-DNA position 1799, G replaced by A.
Protein change: p.Arg600Gln; replaces arginine 600 with glutamine.
Molecular consequence: missense variant.
Genome position (GRCh38, 1-based): chr18:57,674,854, C>T on the plus strand (G>A on the coding strand, the complement: ATP8B1 is on the minus strand). VCF-style: chr18-57674854-C-T. GRCh37 (hg19) VCF-style: chr18-55342086-C-T.
Other names: c.1649G>A, p.Arg550Gln (NM_001374386.1); c.1799G>A, p.Arg600Gln (NM_005603.6); c.1799G>A (NM_005603.4); short protein forms R600Q, R550Q.
Identifiers: ClinVar variation 502324 (VCV000502324.12), dbSNP rs1202682161, ClinGen allele CA402560651.

ClinVar aggregate classification (germline): Pathogenic/Likely pathogenic. Review status: criteria provided, multiple submitters, no conflicts (2 of 4 stars). 7 submissions from 7 submitters: Pathogenic (4); Likely pathogenic (3). Last evaluated 2026-04-14.

Conditions:
ATP8B1-related disorder. Also called: ATP8B1-related condition; ATP8B1-related disorders.
Progressive familial intrahepatic cholestasis type 1. Also called: BYLER DISEASE; Byler's disease; Severe ATP8B1 Deficiency (Progressive Familial Intrahepatic Cholestasis Type 1 [PFIC1]). Identifiers: Orphanet 79306, MedGen C4551898, MONDO:0008892, OMIM 211600.
Benign recurrent intrahepatic cholestasis type 1. Also called: SUMMERSKILL SYNDROME; Mild-to-Moderate ATP8B1 Deficiency (Benign Recurrent Intrahepatic Cholestasis 1 [BRIC1]). Identifiers: Orphanet 65682, Orphanet 99960, MedGen C4551899, MONDO:0009469, OMIM 243300.
Familial intrahepatic cholestasis. Identifiers: Orphanet 284385, MedGen CN296401, MONDO:0017290.

Allele frequency attached by ClinVar (database versions not stated): gnomAD exomes below 0.00001; gnomAD 0.00001.
gnomAD v4.1: 6 of 1,613,944 alleles (0.00037%); highest among the groups gnomAD compares: South Asian, 0.0011%; no homozygotes.

Submissions (7):

Genomenon, Inc
Classification: Likely pathogenic for Familial intrahepatic cholestasis. Last evaluated: 2026-04-14. Review status: criteria provided, single submitter. Criteria: Genomenon Sequence Variant Interpretation Standards - Updated. Collection method: curation. Allele origin: germline. Affected: yes.
Comment: ATP8B1 p.Arg600Gln (c.1799G>A) is a missense variant that changes the amino acid at residue 600 from Arginine to Glutamine. This variant has been observed in at least one proband with features of ATP8B1-deficiency (PMID:35232966;28733223;15239083;27050426). The variant was found to segregate with disease in at least one affected family (PMID:27050426). Functional studies have been reported (PMID:18668687). It is absent or not present at a significant frequency in gnomAD. In silico models predict that this variant is possibly or probably damaging. In conclusion, we classify ATP8B1 p.Arg600Gln (c.1799G>A) as a likely pathogenic variant.

Women's Health and Genetics/Laboratory Corporation of America, LabCorp
Classification: Pathogenic for Progressive familial intrahepatic cholestasis type 1. Last evaluated: 2025-12-18. Review status: criteria provided, single submitter. Criteria: LabCorp Variant Classification Summary - May 2015. Collection method: clinical testing. Allele origin: germline.
Comment: Variant summary: ATP8B1 c.1799G>A (p.Arg600Gln) results in a conservative amino acid change in the encoded protein sequence. Algorithms developed to predict the effect of missense changes on protein structure and function are either unavailable or do not agree on the potential impact of this missense change. The variant allele was found at a frequency of 4e-06 in 251462 control chromosomes (gnomAD). c.1799G>A has been observed in multiple individuals affected with Progressive familial intrahepatic cholestasis type 1 or Benign recurrent intrahepatic cholestasis type 1 (e.g. Klomp_2004, van Wessel_2021). These data indicate that the variant is very likely to be associated with disease. A different variant affecting the same codon has been classified as pathogenic by our lab (c.1798C>T, p.Arg600Trp), supporting the critical relevance of codon 600 to ATP8B1 protein function. The following publications have been ascertained in the context of this evaluation (PMID: 15239083, 33666275). ClinVar contains an entry for this variant (Variation ID: 502324). Based on the evidence outlined above, the variant was classified as pathogenic.

Victorian Clinical Genetics Services, Murdoch Childrens Research Institute
Classification: Pathogenic for Benign recurrent intrahepatic cholestasis type 1. Last evaluated: 2024-11-28. Review status: criteria provided, single submitter. Criteria: ACMG Guidelines, 2015. Collection method: clinical testing. Allele origin: germline. Affected: yes.
Comment: This variant is classified as Pathogenic. Evidence in support of pathogenic classification: Variant is present in gnomAD <0.01 (v4: 6 heterozygote(s), 0 homozygote(s)); This variant has strong previous evidence of pathogenicity in unrelated individuals. This variant has been classified as likely pathogenic and pathogenic by clinical laboratories in ClinVar, and reported in the literature in multiple homozygous and compound heterozygous individuals affected with benign recurrent intrahepatic cholestasis orprogressive familial intrahepatic cholestasis (PMID: 15239083, 33666275); Another missense variant comparable to the one identified in this case has moderate previous evidence for pathogenicity. p.(Arg600Trp) has been identified in a family with benign recurrent intrahepatic cholestasis (PMID:15239083); Missense variant consistently predicted to be damaging by in silico tool or highly conserved with a major amino acid change. Additional information: Variant is predicted to result in a missense amino acid change from arginine to glutamine; This variant is heterozygous; This gene is associated with both recessive and dominant disease. Damaging variants such as nonsense or frameshift are associated with more severe disease while missense variants generally cause more mild disease; however, the phenotypes associated with this gene likely represent one spectrum of disease (PMID: 20301474); An alternative amino acid change at the same position has been observed in gnomAD (v4: 5 heterozygotes, 0 homozygotes); Loss of function is a known mechanism of disease in this gene and is associated with benign recurrent intrahepatic cholestasis (MIM#243300), intrahepatic cholestasis of pregnancy, 1 (MIM#147480), and progressive familial intrahepatic 1 (MIM#211600); Inheritance information for this variant is not currently available in this individual.

PreventionGenetics, part of Exact Sciences
Classification: Likely pathogenic for ATP8B1-related condition. Last evaluated: 2023-07-25. Review status: criteria provided, single submitter. Criteria: ACMG Guidelines, 2015. Collection method: clinical testing. Allele origin: germline.
Comment: The ATP8B1 c.1799G>A variant is predicted to result in the amino acid substitution p.Arg600Gln. This variant was reported in the homozygous or compound heterozygous states in patients with both familial and benign recurrent intrahepatic cholestasis (Klomp. 2004. PubMed ID: 15239083; Table S1, van Wessel. 2021. PubMed ID: 33666275; Wang. 2016. PubMed ID: 27050426). This variant is reported in 0.0099% of alleles in individuals of Ashkenazi Jewish descent in gnomAD. This variant is interpreted as likely pathogenic.

Baylor Genetics
Classification: Pathogenic for Benign recurrent intrahepatic cholestasis type 1. Last evaluated: 2021-12-21. Review status: criteria provided, single submitter. Criteria: ACMG Guidelines, 2015. Collection method: clinical testing. Allele origin: unknown.

Rolfs Rare Disease Consulting, Rolfs Consulting Und Verwaltungs GmbH
Classification: Likely pathogenic for Progressive familial intrahepatic cholestasis type 1. Last evaluated: 2021-01-01. Review status: criteria provided, single submitter. Criteria: ACMG Guidelines, 2015. Collection method: clinical testing. Allele origin: germline. Affected: yes.

Eurofins Ntd Llc (ga)
Classification: Pathogenic. Last evaluated: 2017-06-01. Review status: criteria provided, single submitter. Criteria: EGL Classification Definitions 2015. Collection method: clinical testing. Allele origin: germline. Observed: 1 variant allele, 1 heterozygote.

Literature cited by the submitters: PubMed 35232966 (cited by Genomenon, Inc); PubMed 28733223 (cited by Genomenon, Inc); PubMed 15239083 (cited by 3 submitters); PubMed 27050426 (cited by Genomenon, Inc); PubMed 18668687 (cited by Genomenon, Inc); PubMed 33666275 (cited by Women's Health and Genetics/Laboratory Corporation of America, LabCorp and Victorian Clinical Genetics Services, Murdoch Childrens Research Institute); PubMed 20301474 (cited by Victorian Clinical Genetics Services, Murdoch Childrens Research Institute).